The following is an entry in ClinVar:

ClinVar aggregate classification (germline): Pathogenic (1 of 4 stars; one submission).

Conditions:
Fetal anomalies with a likely genetic cause.

Submission:

Genetics Laboratory, Great Ormond Street Hospital NHS Foundation Trust, North Thames Genomic Laboratory Hub
Classification: Pathogenic for Fetal anomalies with a likely genetic cause. Last evaluated: 2026-08-04. Review status: criteria provided, single submitter. Criteria: ACGS Best Practice Guidelines for Variant Classification in Rare Disease 2024 v1.2. Collection method: clinical testing. Allele origin: germline. Affected: yes.
Comment: PM2_moderate, PVS1_very-strong, PP4_supporting

NM_001378778.1(MPDZ):c.655_665del (p.Val219fs)

Gene: MPDZ (multiple PDZ domain crumbs cell polarity complex component; minus strand). Cytogenetic location: 9p23.
Variant type: Deletion.
Coding change: c.655_665del on transcript NM_001378778.1 (MANE Select); coding-DNA positions 655 to 665, 11 bases deleted (GTTATTGCCAG).
Protein change: p.Val219fs; shifts the reading frame from valine 219.
Molecular consequence: frameshift variant.
Genome position (GRCh38, 1-based): chr9:13,222,315-13,222,325, CTGGCAATAAC deleted on the plus strand (GTTATTGCCAG on the coding strand, the reverse complement: MPDZ is on the minus strand). VCF-style (leftmost placement, unchanged base first): chr9-13222314-TCTGGCAATAAC-T. GRCh37 (hg19) VCF-style: chr9-13222313-TCTGGCAATAAC-T.
Other names: c.655_665del, p.Val219fs (NM_001261406.2, NM_001261407.2, NM_001330637.2 and 14 more transcripts); short protein forms V219fs.
Identifiers: ClinVar variation 5010265 (VCV005010265.1).